The following is an entry in ClinVar:

NM_001378615.1(CC2D2A):c.3562A>G (p.Met1188Val)

Genes: CC2D2A (coiled-coil and C2 domain containing 2A; plus strand), FBXL5 (F-box and leucine rich repeat protein 5; minus strand). Cytogenetic location: 4p15.32.
Variant type: single nucleotide variant.
Coding change: c.3562A>G on transcript NM_001378615.1 (MANE Select); coding-DNA position 3562, A replaced by G.
Protein change: p.Met1188Val; replaces methionine 1188 with valine.
Molecular consequence: missense variant.
Genome position (GRCh38, 1-based): chr4:15,570,464, A>G. VCF-style: chr4-15570464-A-G. GRCh37 (hg19) VCF-style: chr4-15572087-A-G.
Other names: c.3562A>G, p.Met1188Val (NM_001080522.2); c.3415A>G, p.Met1139Val (NM_001378617.1); short protein forms M1188V, M1139V.
Identifiers: ClinVar variation 2108040 (VCV002108040.1), dbSNP rs755471448, ClinGen allele CA2864203.

ClinVar aggregate classification (germline): Uncertain significance (1 of 4 stars; one submission).

Conditions:
Joubert syndrome. Also called: JOUBERT-BOLTSHAUSER SYNDROME; Familial aplasia of the vermis. Identifiers: Orphanet 475, MedGen C5979921, MONDO:0018772.
Meckel-Gruber syndrome. Also called: DYSENCEPHALIA SPLANCHNOCYSTICA; GRUBER SYNDROME; Dysencephalia splachnocystica. Identifiers: Orphanet 564, MedGen C0265215, MONDO:0018921.

Allele frequency attached by ClinVar (database versions not stated): ExAC 0.00001; gnomAD exomes 0.00001.

Submission:

Labcorp Genetics (formerly Invitae), Labcorp
Classification: Uncertain significance for Joubert syndrome; Meckel-Gruber syndrome. Last evaluated: 2022-03-09. Review status: criteria provided, single submitter. Criteria: Invitae Variant Classification Sherloc (09022015). Collection method: clinical testing. Allele origin: germline.
Comment: This sequence change replaces methionine, which is neutral and non-polar, with valine, which is neutral and non-polar, at codon 1188 of the CC2D2A protein (p.Met1188Val). This variant is present in population databases (rs755471448, gnomAD 0.009%). This variant has not been reported in the literature in individuals affected with CC2D2A-related conditions. Algorithms developed to predict the effect of missense changes on protein structure and function (SIFT, PolyPhen-2, Align-GVGD) all suggest that this variant is likely to be tolerated. In summary, the available evidence is currently insufficient to determine the role of this variant in disease. Therefore, it has been classified as a Variant of Uncertain Significance.